The following is an entry in ClinVar:

NM_006073.4(TRDN):c.1006A>G (p.Lys336Glu)

Gene: TRDN (triadin; minus strand). Cytogenetic location: 6q22.31.
Variant type: single nucleotide variant.
Coding change: c.1006A>G on transcript NM_006073.4 (MANE Select); coding-DNA position 1006, A replaced by G.
Protein change: p.Lys336Glu; replaces lysine 336 with glutamic acid.
Molecular consequence: missense variant.
Genome position (GRCh38, 1-based): chr6:123,438,108, T>C on the plus strand (A>G on the coding strand, the complement: TRDN is on the minus strand). VCF-style: chr6-123438108-T-C. GRCh37 (hg19) VCF-style: chr6-123759253-T-C.
Other names: c.1009A>G, p.Lys337Glu (NM_001251987.2); c.949A>G, p.Lys317Glu (NM_001407315.1); short protein forms K337E, K317E, K336E.
Identifiers: ClinVar variation 2059998 (VCV002059998.3), dbSNP rs1220583695, ClinGen allele CA365566222.

ClinVar aggregate classification (germline): Uncertain significance (1 of 4 stars; one submission).

Conditions:
Catecholaminergic polymorphic ventricular tachycardia 1. Also called: VENTRICULAR TACHYCARDIA, STRESS-INDUCED POLYMORPHIC 1; VENTRICULAR TACHYCARDIA, CATECHOLAMINERGIC POLYMORPHIC, 1, WITH OR WITHOUT ATRIAL DYSFUNCTION AND/OR DILATED CARDIOMYOPATHY; RYR2-Related Catecholaminergic Polymorphic Ventricular Tachycardia. Identifiers: Orphanet 3286, MedGen C1631597, MONDO:0011484, OMIM 604772.

Allele frequency attached by ClinVar (database versions not stated): gnomAD exomes below 0.00001; gnomAD 0.00001.
gnomAD v4.1: 3 of 1,587,006 alleles (0.00019%); highest among the groups gnomAD compares: Non-Finnish European, 0.00026%; no homozygotes.

Submission:

Labcorp Genetics (formerly Invitae), Labcorp
Classification: Uncertain significance for Catecholaminergic polymorphic ventricular tachycardia 1. Last evaluated: 2022-04-03. Review status: criteria provided, single submitter. Criteria: Invitae Variant Classification Sherloc (09022015). Collection method: clinical testing. Allele origin: germline.
Comment: The frequency data for this variant in the population databases is considered unreliable, as metrics indicate poor data quality at this position in the gnomAD database. In summary, the available evidence is currently insufficient to determine the role of this variant in disease. Therefore, it has been classified as a Variant of Uncertain Significance. Algorithms developed to predict the effect of missense changes on protein structure and function are either unavailable or do not agree on the potential impact of this missense change (SIFT: "Deleterious"; PolyPhen-2: "Probably Damaging"; Align-GVGD: "Class C0"). This variant has not been reported in the literature in individuals affected with TRDN-related conditions. This sequence change replaces lysine, which is basic and polar, with glutamic acid, which is acidic and polar, at codon 336 of the TRDN protein (p.Lys336Glu).